The following is an entry in ClinVar:

NM_002693.3(POLG):c.971C>G (p.Pro324Arg)

Gene: POLG (DNA polymerase gamma, catalytic subunit; minus strand). Cytogenetic location: 15q26.1.
Variant type: single nucleotide variant.
Coding change: c.971C>G on transcript NM_002693.3 (MANE Select); coding-DNA position 971, C replaced by G.
Protein change: p.Pro324Arg; replaces proline 324 with arginine.
Molecular consequence: missense variant.
Genome position (GRCh38, 1-based): chr15:89,328,995, G>C on the plus strand (C>G on the coding strand, the complement: POLG is on the minus strand). VCF-style: chr15-89328995-G-C. GRCh37 (hg19) VCF-style: chr15-89872226-G-C.
Other names: c.971C>G, p.Pro324Arg (NM_001126131.2); c.971C>G (NM_002693.2); short protein forms P324R.
Identifiers: ClinVar variation 1060224 (VCV001060224.9), dbSNP rs764492040, ClinGen allele CA7724989.

ClinVar aggregate classification (germline): Uncertain significance. Review status: criteria provided, multiple submitters, no conflicts (2 of 4 stars). 2 submissions from 2 submitters: Uncertain significance (2). Last evaluated 2024-10-21.

Conditions:
Inborn genetic diseases. Identifiers: MedGen C0950123, MeSH D030342.
Progressive sclerosing poliodystrophy (MTDPS4A). Also called: NEURONAL DEGENERATION OF CHILDHOOD WITH LIVER DISEASE, PROGRESSIVE; Alpers-Huttenlocher Syndrome (AHS); ALPERS PROGRESSIVE INFANTILE POLIODYSTROPHY; Mitochondrial DNA Depletion Syndrome 4A; Alpers Syndrome; ALPERS DIFFUSE DEGENERATION OF CEREBRAL GRAY MATTER WITH HEPATIC CIRRHOSIS. Identifiers: Orphanet 726, MedGen C0205710, MONDO:0008758, OMIM 203700.

Allele frequency attached by ClinVar (database versions not stated): gnomAD exomes below 0.00001; TOPMed below 0.00001; ExAC 0.00001; gnomAD 0.00001.
gnomAD v4.1: 6 of 1,613,552 alleles (0.00037%); highest among the groups gnomAD compares: Non-Finnish European, 0.00051%; no homozygotes.

Submissions (2):

Labcorp Genetics (formerly Invitae), Labcorp
Classification: Uncertain significance for Progressive sclerosing poliodystrophy. Last evaluated: 2024-10-21. Review status: criteria provided, single submitter. Criteria: Invitae Variant Classification Sherloc (09022015). Collection method: clinical testing. Allele origin: germline.
Comment: This sequence change replaces proline, which is neutral and non-polar, with arginine, which is basic and polar, at codon 324 of the POLG protein (p.Pro324Arg). This variant is present in population databases (rs764492040, gnomAD 0.0009%). This variant has not been reported in the literature in individuals affected with POLG-related conditions. ClinVar contains an entry for this variant (Variation ID: 1060224). Invitae Evidence Modeling of protein sequence and biophysical properties (such as structural, functional, and spatial information, amino acid conservation, physicochemical variation, residue mobility, and thermodynamic stability) indicates that this missense variant is not expected to disrupt POLG protein function with a negative predictive value of 95%. In summary, the available evidence is currently insufficient to determine the role of this variant in disease. Therefore, it has been classified as a Variant of Uncertain Significance.

Ambry Genetics
Classification: Uncertain significance for Inborn genetic diseases. Last evaluated: 2021-08-09. Review status: criteria provided, single submitter. Criteria: Ambry Variant Classification Scheme 2023. Collection method: clinical testing. Allele origin: germline.